The following is an entry in ClinVar:

NM_000264.5(PTCH1):c.2354C>T (p.Thr785Ile)

Genes: PTCH1 (patched 1; minus strand), LOC100507346 (uncharacterized LOC100507346; plus strand). Cytogenetic location: 9q22.32.
Variant type: single nucleotide variant.
Coding change: c.2354C>T on transcript NM_000264.5 (MANE Select); coding-DNA position 2354, C replaced by T.
Protein change: p.Thr785Ile; replaces threonine 785 with isoleucine.
Molecular consequence: missense variant.
Genome position (GRCh38, 1-based): chr9:95,467,322, G>A on the plus strand (C>T on the coding strand, the complement: PTCH1 is on the minus strand). VCF-style: chr9-95467322-G-A. GRCh37 (hg19) VCF-style: chr9-98229604-G-A.
Other names: c.2156C>T, p.Thr719Ile (NM_001083602.3); c.2351C>T, p.Thr784Ile (NM_001083603.3); c.1901C>T, p.Thr634Ile (NM_001083604.3, NM_001083605.3, NM_001083606.3 and 1 more transcripts); c.2198C>T, p.Thr733Ile (NM_001354918.2); short protein forms T719I, T733I, T784I, T785I, T634I.
Identifiers: ClinVar variation 3363310 (VCV003363310.2).
Genomic context (GRCh38, chr9:95,467,322, plus strand): 5'-ATATACATGTTGTAGAAAGAAAAGTATTTGAATTGTGCAGCAATAAAGTCATATTCTCTG[G>A]TTTCCCGAGGTACAATGTCCGTAAGGTCCAGCCCGTCTCTCACTCGGGTGGTGCCATAAA-3'
Protein context (NP_000255.2, residues 775-795): LDLTDIVPRE[Thr785Ile]REYDFIAAQF

ClinVar aggregate classification (germline): Uncertain significance (1 of 4 stars; one submission).

Submission:

GeneDx
Classification: Uncertain significance. Last evaluated: 2026-08-27. Review status: criteria provided, single submitter. Criteria: GeneDx Variant Classification Process June 2021. Collection method: clinical testing. Allele origin: germline.
Comment: Not observed at significant frequency in large population cohorts (gnomAD); In silico analysis supports that this missense variant has a deleterious effect on protein structure/function; Has not been previously published as pathogenic or benign to our knowledge; This variant is associated with the following publications: (PMID: 8906794)